The following is an entry in ClinVar:

NM_001378454.1(ALMS1):c.7969_7975del (p.Phe2657fs)

Gene: ALMS1 (ALMS1 centrosome and basal body associated protein; plus strand). Cytogenetic location: 2p13.1.
Variant type: Deletion.
Coding change: c.7969_7975del on transcript NM_001378454.1 (MANE Select); coding-DNA positions 7969 to 7975, 7 bases deleted (TTTATAC; older notation c.7969_7975delTTTATAC).
Protein change: p.Phe2657fs; shifts the reading frame from phenylalanine 2657.
Molecular consequence: frameshift variant.
Genome position (GRCh38, 1-based): chr2:73,489,928-73,489,934, TTTATAC deleted; deleting any 7 consecutive bases within chr2:73,489,926-73,489,934 gives the same sequence; the c. name uses the placement nearest the transcript's 3' end. VCF-style (leftmost placement, unchanged base first): chr2-73489925-AACTTTAT-A. GRCh37 (hg19) VCF-style: chr2-73717052-AACTTTAT-A.
Other names: c.7972_7978del, p.Phe2658fs (NM_015120.4); short protein forms F2658fs, F2657fs.
Identifiers: ClinVar variation 2585640 (VCV002585640.3), dbSNP rs2466213585, ClinGen allele CA2582342409.

ClinVar aggregate classification (germline): Likely pathogenic (0 of 4 stars; one submission).

Conditions:
Alstrom syndrome (ALMS). Identifiers: Orphanet 64, MedGen C0268425, MONDO:0008763, OMIM 203800.

Submission:

Department of Pediatrics, National Cheng-Kung University Hospital
Classification: Likely pathogenic for Alstrom syndrome. Review status: no assertion criteria provided. Collection method: clinical testing. Allele origin: germline. Inheritance: Autosomal recessive inheritance. Affected: yes.
Comment: The F2658fs variant in ALMS1 is a novel frameshift mutation predicted to cause premature protein truncation, despite the absence of a functional assay. Multiple computational predictive software tools support its pathogenicity. Notably, the variant is located at the mutational hotspot of the ALMS1 gene. In summary, the F2658fs variant in ALMS1 meets the criteria of ACMG/AMP guidelines (PVS1, PM2, PM3, PP3, PP4) to be classified as pathogenic. However, additional experimental data are needed to provide final evidence. Therefore, this variant was classified as likely Pathogenic.